The following is an entry in ClinVar:

NM_014844.5(TECPR2):c.951+18A>G

Gene: TECPR2 (tectonin beta-propeller repeat containing 2; plus strand). Cytogenetic location: 14q32.31.
Variant type: single nucleotide variant.
Coding change: c.951+18A>G on transcript NM_014844.5 (MANE Select); 18 bases into the intron after coding-DNA position 951, A replaced by G.
Molecular consequence: intron variant.
Genome position (GRCh38, 1-based): chr14:102,425,309, A>G. VCF-style: chr14-102425309-A-G. GRCh37 (hg19) VCF-style: chr14-102891646-A-G.
Other names: c.951+18A>G (NM_001172631.3).
Identifiers: ClinVar variation 380890 (VCV000380890.13), dbSNP rs4906197, ClinGen allele CA7357562.

ClinVar aggregate classification (germline): Benign. Review status: criteria provided, multiple submitters, no conflicts (2 of 4 stars). 4 submissions from 4 submitters: Benign (4). Last evaluated 2026-02-04.

Conditions:
Hereditary spastic paraplegia 49 (HSAN9). Also called: Spastic paraplegia 49, autosomal recessive; NEUROPATHY, HEREDITARY SENSORY AND AUTONOMIC, TYPE IX, WITH DEVELOPMENTAL DELAY; TECPR2-Related Hereditary Sensory and Autonomic Neuropathy with Intellectual Disability. Identifiers: Orphanet 320385, MedGen C5190860, MONDO:0014016, OMIM 615031.

Allele frequency attached by ClinVar (database versions not stated): 1000 Genomes Project 0.30551; 1000 Genomes Project 30x 0.30918; gnomAD exomes 0.35561 and 0.39291; gnomAD 0.35713; TOPMed 0.35868; ExAC 0.36270; ESP Exome Variant Server 0.36968.
gnomAD v4.1: 606,569 of 1,556,678 alleles (39%); highest among the groups gnomAD compares: Middle Eastern, 47%; 120,540 homozygotes.

Submissions (4):

Labcorp Genetics (formerly Invitae), Labcorp
Classification: Benign for Hereditary spastic paraplegia 49. Last evaluated: 2026-02-04. Review status: criteria provided, single submitter. Criteria: Invitae Variant Classification Sherloc (09022015). Collection method: clinical testing. Allele origin: germline.

Genome-Nilou Lab
Classification: Benign for Hereditary spastic paraplegia 49. Last evaluated: 2021-07-10. Review status: criteria provided, single submitter. Criteria: ACMG Guidelines, 2015. Collection method: clinical testing. Allele origin: germline. Affected: no.

GeneDx
Classification: Benign. Last evaluated: 2016-01-22. Review status: criteria provided, single submitter. Criteria: GeneDx Variant Classification (06012015). Collection method: clinical testing. Allele origin: germline. Affected: yes.
Comment: This variant is considered likely benign or benign based on one or more of the following criteria: it is a conservative change, it occurs at a poorly conserved position in the protein, it is predicted to be benign by multiple in silico algorithms, and/or has population frequency not consistent with disease.

Breakthrough Genomics
Classification: Benign. Review status: criteria provided, single submitter. Criteria: ACMG Guidelines, 2015. Collection method: not provided. Allele origin: germline. Inheritance: Autosomal recessive inheritance. Affected: yes.